The following is an entry in ClinVar:

ClinVar aggregate classification (germline): Pathogenic (1 of 4 stars; one submission).

Conditions:
Autosomal dominant polycystic kidney disease. Identifiers: Orphanet 730, MedGen C0085413, MONDO:0004691.

Submission:

Labcorp Genetics (formerly Invitae), Labcorp
Classification: Pathogenic for Autosomal dominant polycystic kidney disease. Last evaluated: 2025-11-17. Review status: criteria provided, single submitter. Criteria: Invitae Variant Classification Sherloc (09022015). Collection method: clinical testing. Allele origin: germline.
Comment: This sequence change creates a premature translational stop signal (p.Tyr216*) in the PKD2 gene. It is expected to result in an absent or disrupted protein product. Loss-of-function variants in PKD2 are known to be pathogenic (PMID: 17582161, 22863349). This variant is not present in population databases (gnomAD no frequency). This variant has not been reported in the literature in individuals affected with PKD2-related conditions. For these reasons, this variant has been classified as Pathogenic.

Literature cited by the submitters: PubMed 17582161; PubMed 22863349.

NM_000297.4(PKD2):c.648C>G (p.Tyr216Ter)

Gene: PKD2 (polycystin 2, transient receptor potential cation channel; plus strand). Cytogenetic location: 4q22.1.
Variant type: single nucleotide variant.
Coding change: c.648C>G on transcript NM_000297.4 (MANE Select); coding-DNA position 648, C replaced by G.
Protein change: p.Tyr216Ter; replaces tyrosine 216 with a stop codon.
Molecular consequence: nonsense. On other transcripts: non-coding transcript variant (1).
Genome position (GRCh38, 1-based): chr4:88,019,510, C>G. VCF-style: chr4-88019510-C-G. GRCh37 (hg19) VCF-style: chr4-88940662-C-G.
Other names: c.648C>G, p.Tyr216Ter (NM_001440544.1); short protein forms Y216*.
Identifiers: ClinVar variation 4731376 (VCV004731376.1).